The following is an entry in ClinVar:

ClinVar aggregate classification (germline): Pathogenic/Likely pathogenic. Review status: criteria provided, multiple submitters, no conflicts (2 of 4 stars). 2 submissions from 2 submitters: Pathogenic (1); Likely pathogenic (1). Last evaluated 2023-08-04.

Conditions:
Amyotrophic lateral sclerosis type 1 (ALS1). Also called: AMYOTROPHIC LATERAL SCLEROSIS 1, FAMILIAL. Identifiers: Orphanet 803, MedGen C1862939, MONDO:0007103, OMIM 105400.

Submissions (2):

Labcorp Genetics (formerly Invitae), Labcorp
Classification: Pathogenic for Amyotrophic lateral sclerosis type 1. Last evaluated: 2023-08-04. Review status: criteria provided, single submitter. Criteria: Invitae Variant Classification Sherloc (09022015). Collection method: clinical testing. Allele origin: germline.
Comment: This variant is not present in population databases (gnomAD no frequency). This missense change has been observed in individuals with autosomal dominant amyotrophic lateral sclerosis (PMID: 14506936, 31170830; Invitae). This variant is also known as p.Asp124Gly. ClinVar contains an entry for this variant (Variation ID: 1212596). Advanced modeling of protein sequence and biophysical properties (such as structural, functional, and spatial information, amino acid conservation, physicochemical variation, residue mobility, and thermodynamic stability) performed at Invitae indicates that this missense variant is expected to disrupt SOD1 protein function. This sequence change replaces aspartic acid, which is acidic and polar, with glycine, which is neutral and non-polar, at codon 125 of the SOD1 protein (p.Asp125Gly). Experimental studies have shown that this missense change affects SOD1 function (PMID: 23280792). This variant disrupts the p.Asp125 amino acid residue in SOD1. Other variant(s) that disrupt this residue have been determined to be pathogenic (PMID: 8938700, 22292843, 28105640; Invitae). This suggests that this residue is clinically significant, and that variants that disrupt this residue are likely to be disease-causing. For these reasons, this variant has been classified as Pathogenic.

GeneDx
Classification: Likely pathogenic. Last evaluated: 2022-04-01. Review status: criteria provided, single submitter. Criteria: GeneDx Variant Classification Process June 2021. Collection method: clinical testing. Allele origin: germline. Affected: yes.
Comment: Reported in the heterozygous state in several individuals in published literature with ALS with onset of symptoms ranging from 17 years to 68 years, but also identified in several asymptomatic relatives (Andersen et al., 2003; Ricci et al., 2019; De La Torre et al., 2019); Published functional studies demonstrate a damaging effect: chronic endoplasmic reticulum stress due to exposure of the Derlin-1 binding region (Fujisawa et al., 2012); In silico analysis supports that this missense variant has a deleterious effect on protein structure/function; Not observed in large population cohorts (gnomAD); Also known as D124G using alternate nomenclature; This variant is associated with the following publications: (PMID: 23280792, 14506936, 31170830)

Literature cited by the submitters: PubMed 14506936 (cited by Labcorp Genetics (formerly Invitae), Labcorp); PubMed 31170830 (cited by Labcorp Genetics (formerly Invitae), Labcorp); PubMed 23280792 (cited by Labcorp Genetics (formerly Invitae), Labcorp); PubMed 8938700 (cited by Labcorp Genetics (formerly Invitae), Labcorp); PubMed 22292843 (cited by Labcorp Genetics (formerly Invitae), Labcorp); PubMed 28105640 (cited by Labcorp Genetics (formerly Invitae), Labcorp).

NM_000454.5(SOD1):c.374A>G (p.Asp125Gly)

Gene: SOD1 (superoxide dismutase 1; plus strand). Cytogenetic location: 21q22.11.
Variant type: single nucleotide variant.
Coding change: c.374A>G on transcript NM_000454.5 (MANE Select); coding-DNA position 374, A replaced by G.
Protein change: p.Asp125Gly; replaces aspartic acid 125 with glycine.
Molecular consequence: missense variant.
Genome position (GRCh38, 1-based): chr21:31,668,487, A>G. VCF-style: chr21-31668487-A-G. GRCh37 (hg19) VCF-style: chr21-33040800-A-G.
Other names: short protein forms D125G.
Identifiers: ClinVar variation 1212596 (VCV001212596.10), dbSNP rs1568811366, ClinGen allele CA410037659.